The following is an entry in ClinVar:

NM_000548.5(TSC2):c.1599+10G>A

Gene: TSC2 (TSC complex subunit 2; plus strand). Cytogenetic location: 16p13.3.
Variant type: single nucleotide variant.
Coding change: c.1599+10G>A on transcript NM_000548.5 (MANE Select); 10 bases into the intron after coding-DNA position 1599, G replaced by A.
Molecular consequence: intron variant.
Genome position (GRCh38, 1-based): chr16:2,064,437, G>A. VCF-style: chr16-2064437-G-A. GRCh37 (hg19) VCF-style: chr16-2114438-G-A.
Other names: c.1599+10G>A (NM_000548.4, NM_001114382.3, NM_021055.3 and 4 more transcripts); c.1488+10G>A (NM_001318827.2); c.999+10G>A (NM_001318831.2); c.1452+10G>A (NM_001318829.2); c.1632+10G>A (NM_001318832.2).
Identifiers: ClinVar variation 237967 (VCV000237967.24), dbSNP rs376692777, ClinGen allele CA031188.

ClinVar aggregate classification (germline): Conflicting classifications of pathogenicity. Review status: criteria provided, conflicting classifications (1 of 4 stars). 10 submissions from 10 submitters: Uncertain significance (1); Benign (4); Likely benign (4). 1 of the submissions does not count toward it. Last evaluated 2026-01-28.

Conditions:
TSC2-related disorder. Also called: TSC2-Related Disorders; TSC2-related condition.
Hereditary cancer-predisposing syndrome. Also called: Hereditary Cancer Syndrome; Tumor predisposition; Hereditary neoplastic syndrome; Neoplastic Syndromes, Hereditary. Identifiers: Orphanet 140162, MedGen C0027672, MeSH D009386, MONDO:0015356.
Tuberous sclerosis syndrome (TSC). Also called: Tuberous Sclerosis Complex; Tuberous sclerosis. Identifiers: Orphanet 805, MedGen C0041341, MONDO:0001734.
Tuberous sclerosis 2 (TSC2). Identifiers: Orphanet 805, MedGen C1860707, MONDO:0013199, OMIM 613254.

Allele frequency attached by ClinVar (database versions not stated): TOPMed 0.00010; gnomAD 0.00012; ESP Exome Variant Server 0.00008; gnomAD exomes 0.00008; ExAC 0.00010.
gnomAD v4.1: 269 of 1,612,882 alleles (0.017%); highest among the groups gnomAD compares: Non-Finnish European, 0.022%; no homozygotes.

Submissions (10):

Labcorp Genetics (formerly Invitae), Labcorp
Classification: Benign for Tuberous sclerosis 2. Last evaluated: 2026-01-28. Review status: criteria provided, single submitter. Criteria: Invitae Variant Classification Sherloc (09022015). Collection method: clinical testing. Allele origin: germline.

Quest Diagnostics Nichols Institute San Juan Capistrano
Classification: Benign. Last evaluated: 2025-07-12. Review status: criteria provided, single submitter. Criteria: Quest Diagnostics criteria. Collection method: clinical testing. Allele origin: unknown.

Myriad Genetics, Inc.
Classification: Benign for Tuberous sclerosis 2. Last evaluated: 2025-05-14. Review status: criteria provided, single submitter. Criteria: Myriad Autosomal Dominant, Autosomal Recessive and X-Linked Classification Criteria (2023). Collection method: clinical testing. Allele origin: unknown.
Comment: This variant is considered benign. This variant is intronic and is not expected to impact mRNA splicing. This variant has been observed at a population frequency that is significantly greater than expected given the associated disease prevalence and penetrance.

Blueprint Genetics
Classification: Likely benign. Last evaluated: 2024-10-21. Review status: criteria provided, single submitter. Criteria: ACMG Guidelines, 2015. Collection method: clinical testing. Allele origin: germline.

Department of Pathology and Laboratory Medicine, Sinai Health System
Classification: Likely benign for tuberous sclerosis. Last evaluated: 2021-12-24. Review status: criteria provided, single submitter. Criteria: ACMG Guidelines, 2015. Collection method: clinical testing. Allele origin: germline. Affected: yes.

Genome-Nilou Lab
Classification: Likely benign for Tuberous sclerosis 2. Last evaluated: 2021-11-07. Review status: criteria provided, single submitter. Criteria: ACMG Guidelines, 2015. Collection method: clinical testing. Allele origin: germline. Affected: no.

Sema4
Classification: Benign for Hereditary cancer-predisposing syndrome. Last evaluated: 2020-12-19. Review status: criteria provided, single submitter. Criteria: Sema4 Curation Guidelines. Collection method: curation. Allele origin: germline.

GeneDx
Classification: Likely benign. Last evaluated: 2018-02-01. Review status: criteria provided, single submitter. Criteria: GeneDx Variant Classification (06012015). Collection method: clinical testing. Allele origin: germline. Affected: yes.
Comment: This variant is considered likely benign or benign based on one or more of the following criteria: it is a conservative change, it occurs at a poorly conserved position in the protein, it is predicted to be benign by multiple in silico algorithms, and/or has population frequency not consistent with disease.

Illumina Laboratory Services, Illumina
Classification: Uncertain significance for Tuberous sclerosis syndrome. Last evaluated: 2018-01-13. Review status: criteria provided, single submitter. Criteria: ICSL Variant Classification Criteria 13 December 2019. Collection method: clinical testing. Allele origin: germline.

PreventionGenetics, part of Exact Sciences
Classification: Likely benign for TSC2-related condition. Last evaluated: 2019-12-16. Review status: no assertion criteria provided. Collection method: clinical testing. Allele origin: germline. Not counted in ClinVar's aggregate classification.
Comment: This variant is classified as likely benign based on ACMG/AMP sequence variant interpretation guidelines (Richards et al. 2015 PMID: 25741868, with internal and published modifications).